The following is an entry in ClinVar:

ClinVar aggregate classification (germline): Pathogenic (1 of 4 stars; one submission).

Submission:

Center for Genomic Medicine, Rigshospitalet, Copenhagen University Hospital
Classification: Pathogenic. Last evaluated: 2025-12-29. Review status: criteria provided, single submitter. Criteria: ACMG Guidelines, 2015. Collection method: clinical testing. Allele origin: germline.
Comment: Classification criteria: PVS1, PM2_Supporting, PM4_Moderate

Literature cited by the submitters: PubMed 8640229; PubMed 31122244.

NM_000037.4(ANK1):c.4095del (p.Cys1366fs)

Gene: ANK1 (ankyrin 1; minus strand). Cytogenetic location: 8p11.21.
Variant type: Deletion.
Coding change: c.4095del on transcript NM_000037.4 (MANE Select); coding-DNA position 4095, one base deleted (C; older notation c.4095delC).
Protein change: p.Cys1366fs; shifts the reading frame from cysteine 1366.
Molecular consequence: frameshift variant.
Genome position (GRCh38, 1-based): chr8:41,690,236, G deleted on the plus strand (C on the coding strand, the reverse complement: ANK1 is on the minus strand); the first of 6 consecutive G bases (chr8:41,690,236-41,690,241); deleting any one gives the same sequence. VCF-style (leftmost placement, unchanged base first): chr8-41690235-AG-A. GRCh37 (hg19) VCF-style: chr8-41547753-AG-A.
Other names: c.4218del, p.Cys1407fs (NM_001142446.2); c.4095del, p.Cys1366fs (NM_020475.3, NM_020476.3, NM_020477.3); c.4095delC (NM_000037.4); short protein forms C1366fs, C1407fs.
Identifiers: ClinVar variation 4539369 (VCV004539369.1).